The following is an entry in ClinVar:

ClinVar aggregate classification (germline): Uncertain significance. Review status: criteria provided, multiple submitters, no conflicts (2 of 4 stars). 2 submissions from 2 submitters: Uncertain significance (2). Last evaluated 2023-06-21.

Conditions:
Inborn genetic diseases. Identifiers: MedGen C0950123, MeSH D030342.
Hereditary spastic paraplegia 75. Also called: Spastic paraplegia 75, autosomal recessive. Identifiers: Orphanet 459056, MedGen C4225250, MONDO:0014729, OMIM 616680.

Allele frequency attached by ClinVar (database versions not stated): ExAC 0.00002; gnomAD exomes 0.00002; TOPMed 0.00006; gnomAD 0.00007 and 0.00008; ESP Exome Variant Server 0.00008.
gnomAD v4.1: 53 of 1,613,752 alleles (0.0033%); highest among the groups gnomAD compares: African/African-American, 0.019%; no homozygotes.

Submissions (2):

Ambry Genetics
Classification: Uncertain significance for Inborn genetic diseases. Last evaluated: 2023-06-21. Review status: criteria provided, single submitter. Criteria: Ambry Variant Classification Scheme 2023. Collection method: clinical testing. Allele origin: germline.

Labcorp Genetics (formerly Invitae), Labcorp
Classification: Uncertain significance for Hereditary spastic paraplegia 75. Last evaluated: 2019-04-30. Review status: criteria provided, single submitter. Criteria: Invitae Variant Classification Sherloc (09022015). Collection method: clinical testing. Allele origin: germline.
Comment: This variant is present in population databases (rs147583558, ExAC 0.02%). This sequence change replaces arginine with histidine at codon 465 of the MAG protein (p.Arg465His). The arginine residue is highly conserved and there is a small physicochemical difference between arginine and histidine. This variant has not been reported in the literature in individuals with MAG-related disease. In summary, the available evidence is currently insufficient to determine the role of this variant in disease. Therefore, it has been classified as a Variant of Uncertain Significance. Algorithms developed to predict the effect of missense changes on protein structure and function do not agree on the potential impact of this missense change (SIFT: "Deleterious"; PolyPhen-2: "Possibly Damaging"; Align-GVGD: "Class C0").

NM_002361.4(MAG):c.1394G>A (p.Arg465His)

Gene: MAG (myelin associated glycoprotein; plus strand). Cytogenetic location: 19q13.12.
Variant type: single nucleotide variant.
Coding change: c.1394G>A on transcript NM_002361.4 (MANE Select); coding-DNA position 1394, G replaced by A.
Protein change: p.Arg465His; replaces arginine 465 with histidine.
Molecular consequence: missense variant.
Genome position (GRCh38, 1-based): chr19:35,310,036, G>A. VCF-style: chr19-35310036-G-A. GRCh37 (hg19) VCF-style: chr19-35800939-G-A.
Other names: c.1319G>A, p.Arg440His (NM_001199216.2); c.1394G>A, p.Arg465His (NM_080600.3); short protein forms R465H, R440H.
Identifiers: ClinVar variation 572016 (VCV000572016.12), dbSNP rs147583558, ClinGen allele CA9376263.